The following is an entry in ClinVar:

NM_000257.4(MYH7):c.2631G>C (p.Met877Ile)

Genes: MYH7 (myosin heavy chain 7; minus strand), LOC126861898 (BRD4-independent group 4 enhancer GRCh37_chr14:23893609-23894808; plus strand). Cytogenetic location: 14q11.2.
Variant type: single nucleotide variant.
Coding change: c.2631G>C on transcript NM_000257.4 (MANE Select); coding-DNA position 2631, G replaced by C.
Protein change: p.Met877Ile; replaces methionine 877 with isoleucine.
Molecular consequence: missense variant.
Genome position (GRCh38, 1-based): chr14:23,424,817, C>G on the plus strand (G>C on the coding strand, the complement: MYH7 is on the minus strand). VCF-style: chr14-23424817-C-G. GRCh37 (hg19) VCF-style: chr14-23894026-C-G.
Other names: c.2631G>C (NM_000257.2); short protein forms M877I.
Identifiers: ClinVar variation 573352 (VCV000573352.19), dbSNP rs1060505018, ClinGen allele CA389047941.

ClinVar aggregate classification (germline): Pathogenic/Likely pathogenic. Review status: criteria provided, multiple submitters, no conflicts (2 of 4 stars). 7 submissions from 7 submitters: Pathogenic (2); Likely pathogenic (5). Last evaluated 2025-10-27.

Conditions:
MYH7-related disorder. Also called: MYH7-related disorders; MYH7-related condition; MYH7-related disease.
Cardiovascular phenotype. Identifiers: MedGen CN230736.
Cardiomyopathy (CMYO). Also called: Cardiomyopathies. Identifiers: Orphanet 167848, MedGen C0878544, MONDO:0004994, HP:0001638. Inheritance: Various modes of inheritance.
Hypertrophic cardiomyopathy 1 (CMH1). Also called: MYH7-Related Familial Hypertrophic Cardiomyopathy; Familial hypertrophic cardiomyopathy 1. Identifiers: MedGen C3495498, MONDO:0008647, OMIM 192600.
Hypertrophic cardiomyopathy. Also called: HYPERTROPHIC MYOCARDIOPATHY. Identifiers: Orphanet 217569, MedGen C0007194, MeSH D002312, MONDO:0005045, HP:0001639.

gnomAD v4.1: 5 of 1,614,150 alleles (0.00031%); highest among the groups gnomAD compares: Non-Finnish European, 0.00042%; no homozygotes.

Submissions (7):

Labcorp Genetics (formerly Invitae), Labcorp
Classification: Pathogenic for Hypertrophic cardiomyopathy. Last evaluated: 2025-10-27. Review status: criteria provided, single submitter. Criteria: Invitae Variant Classification Sherloc (09022015). Collection method: clinical testing. Allele origin: germline.
Comment: This sequence change replaces methionine, which is neutral and non-polar, with isoleucine, which is neutral and non-polar, at codon 877 of the MYH7 protein (p.Met877Ile). This variant is not present in population databases (gnomAD no frequency). This missense change has been observed in individuals with hypertrophic cardiomyopathy (PMID: 27737317, 28699631, 32731933). It has also been observed to segregate with disease in related individuals. ClinVar contains an entry for this variant (Variation ID: 573352). Invitae Evidence Modeling of protein sequence and biophysical properties (such as structural, functional, and spatial information, amino acid conservation, physicochemical variation, residue mobility, and thermodynamic stability) indicates that this missense variant is expected to disrupt MYH7 protein function with a positive predictive value of 80%. This variant disrupts the p.Met877 amino acid residue in MYH7. Other variant(s) that disrupt this residue have been determined to be pathogenic (internal data). This suggests that this residue is clinically significant, and that variants that disrupt this residue are likely to be disease-causing. For these reasons, this variant has been classified as Pathogenic.

Color Diagnostics, LLC DBA Color Health
Classification: Likely pathogenic for Cardiomyopathy. Last evaluated: 2025-06-01. Review status: criteria provided, single submitter. Criteria: ACMG Guidelines, 2015. Collection method: clinical testing. Allele origin: germline.
Comment: This missense variant replaces methionine with isoleucine at codon 877 of the MYH7 protein. This variant is found within a highly conserved region of the myosin head domain. Missense variants in this region have been shown to be significantly overrepresented in individuals with affected with hypertrophic cardiomyopathy (PMID: 27532257). Computational prediction suggests that this variant may not impact protein structure and function. To our knowledge, functional studies have not been reported for this variant. This variant, as well as two other nucleotide changes causing the same amino acid change (c.2631G>T, ClinVar variation ID: 417718, and c.2631G>A, ClinVar variation ID: 955476), have been reported in more than fifteen individuals affected with hypertrophic cardiomyopathy (PMID: 17643520, 20513729, 27532257, 27737317, 28699631, 30297972, 31638223, 32731933, 37466024ClinVar SCV000823477.5, SCV001576910.2, SCV001400509.3). It has been shown that this missense variant segregates with disease in five affected individuals across two families (PMID: 27737317, 28699631). This variant has not been identified in the general population by the Genome Aggregation Database (gnomAD). Based on available evidence, this variant is classified as Likely Pathogenic.

Ambry Genetics
Classification: Likely pathogenic for Cardiovascular phenotype. Last evaluated: 2024-04-12. Review status: criteria provided, single submitter. Criteria: Ambry Variant Classification Scheme 2023. Collection method: clinical testing. Allele origin: germline.
Comment: The p.M877I variant (also known as c.2631G>C), located in coding exon 20 of the MYH7 gene, results from a G to C substitution at nucleotide position 2631. The methionine at codon 877 is replaced by isoleucine, an amino acid with highly similar properties. This alteration is located in the myosin head domain, which contains a statistically significant clustering of pathogenic missense variants (Homburger JR et al. Proc Natl Acad Sci U S A, 2016 06;113:6701-6; Walsh R et al. Genet Med, 2017 02;19:192-203; Ambry internal data). This alteration has been reported in multiple individuals with hypertrophic cardiomyopathy (HCM) (Melacini P et al. Int J Cardiol, 2008 Aug;128:364-73; Mattos BP et al. Arq Bras Cardiol, 2016 Sep;107:257-265; Walsh R et al. Genet Med, 2017 02;19:192-203; Lorenzini M et al. J Am Coll Cardiol, 2020 08;76:550-559). In addition, two other alterations located at the same position, resulting in the same protein change, c.2631G>T and c.2631G>A, have been described in individuals with HCM (De Bortoli M et al. Eur. J. Hum. Genet., 2017 10;25:1165-1169; Walsh R et al. Genet. Med., 2017 02;19:192-203; Wang B et al. Mol Med Rep, 2019 Dec;20:5229-5238). This amino acid position is highly conserved in available vertebrate species. In addition, the in silico prediction for this alteration is inconclusive. This variant is considered to be rare based on population cohorts in the Genome Aggregation Database (gnomAD). Based on the majority of available evidence to date, this variant is likely to be pathogenic.

Blueprint Genetics
Classification: Pathogenic for MYH7-related disorders. Last evaluated: 2022-05-02. Review status: criteria provided, single submitter. Criteria: ACMG Guidelines, 2015. Collection method: clinical testing. Allele origin: germline. Affected: yes. Observed: 2 variant alleles.

Victorian Clinical Genetics Services, Murdoch Childrens Research Institute
Classification: Likely pathogenic for Hypertrophic cardiomyopathy 1. Last evaluated: 2022-02-02. Review status: criteria provided, single submitter. Criteria: ACMG Guidelines, 2015. Collection method: clinical testing. Allele origin: germline. Inheritance: Autosomal dominant inheritance.
Comment: Based on the classification scheme VCGS_Germline_v1.3.4, this variant is classified as likely pathogenic. Following criteria are met: 0105 - The mechanism of disease for this gene is not clearly established, however, missense variants have been proposed to act in a dominant negative manner (PMID: 24714796). (I) 0108 - This gene is associated with both recessive and dominant disease. Pathogenic variants in this gene are usually heterozygous, however a recessive inheritance pattern has been observed in severe cases (OMIM). (I) 0112 - The condition associated with this gene has incomplete penetrance (PMID: 29300372). (I) 0200 - Variant is predicted to result in a missense amino acid change from methionine to isoleucine. (I) 0251 - This variant is heterozygous. (I) 0301 - Variant is absent from gnomAD (both v2 and v3). (SP) 0502 - Missense variant with conflicting in silico predictions and uninformative conservation. (I) 0602 - Variant is located in a hotspot region or cluster of pathogenic variants. This variant is found within the head region, which is enriched with pathogenic missense variants (PMID: 29300372). (SP) 0705 - No comparable missense variants have previous evidence for pathogenicity. (I) 0802 - This variant has moderate previous evidence of pathogenicity in unrelated individuals. This variant has been reported in at least six probands with HCM (PMID: 27532257, PMID: 27737317, PMID: 28699631, PMID: 17643520). This variant has also been reported in a compound heterozygous state with another MYH7 missense variant in a HCM proband (PMID: 31638223). (SP) 0903 - This variant has limited evidence for segregation with disease. This variant has been shown to segregate with HCM in three individuals from two families (PMID: 27737317, PMID: 28699631). (SP) 1007 - No published functional evidence has been identified for this variant. (I) 1208 - Inheritance information for this variant is not currently available in this individual. (I) Legend: (SP) - Supporting pathogenic, (I) - Information, (SB) - Supporting benign

Genetics and Molecular Pathology, SA Pathology
Classification: Likely pathogenic for Hypertrophic cardiomyopathy 1. Last evaluated: 2021-10-27. Review status: criteria provided, single submitter. Criteria: ACMG Guidelines, 2015. Collection method: clinical testing. Allele origin: germline. Inheritance: Autosomal dominant inheritance. Affected: yes.
Comment: The MYH7 c.2631G>C variant is a single nucleotide change in exon 22/40 of the MYH7 gene, which is predicted to change the amino acid methionine at position 877 in the protein, to isoleucine. This variant is located in the conserved MYH7 functional domain (within amino acids 181-937) (PM1) and has been reported in at least 6 probands with a clinical presentation of Hypertrophic cardiomyopathy (PMID#32731933, 28699631, 27737317, SA Pathology cohort) (PS4_Moderate). It is reported to co-segregate with disease in 4 meioses in 3 families; PMID#27737317, 28699631, SA Pathology cohort (PP1). This variant is absent from population databases (PM2), is reported in dbSNP (rs1060505018), is reported as ?disease causing in HGMD (CM1616701) and has been reported with conflicting interpretations of pathogenicity by other diagnostic laboratories (ClinVar Variation ID: 573352). Other changes at this same amino acid (p.M877K/T) are also reported as disease causing in individuals with hypertrophic cardiomyopathy, further strengthening the likely importance of this amino acid in the MYH7 protein.

Women's Health and Genetics/Laboratory Corporation of America, LabCorp
Classification: Likely pathogenic for Cardiomyopathy. Last evaluated: 2020-12-29. Review status: criteria provided, single submitter. Criteria: LabCorp Variant Classification Summary - May 2015. Collection method: clinical testing. Allele origin: germline.
Comment: Variant summary: MYH7 c.2631G>C (p.Met877Ile) results in a conservative amino acid change located in the Myosin tail domain (IPR002928) of the encoded protein sequence. Three of five in-silico tools predict a benign effect of the variant on protein function. The variant was absent in 251406 control chromosomes (gnomAD). c.2631G>C has been reported in the literature in individuals affected with Cardiomyopathy (e.g. Walsh_2016). In addition, the p.Met877Ile variant (nucleotide change not specified) has been reported in families affected with cardiomyopathy (Mattos_2016, Wang_2019), and was indicated to segregate with disease (Mattos_2016). Other variants in this position that result in the same p.Met877Ile amino acid change have also been reported in individuals with cardiomyopathy (c.2631G>A, e.g. Walsh_2016; c.2631G>T, e.g. Bortoli_2017), providing further evidence that this change may be associated with disease. To our knowledge, no experimental evidence demonstrating an impact on protein function has been reported. Two other clinical diagnostic laboratories have submitted clinical-significance assessments for this variant to ClinVar after 2014 without evidence for independent evaluation. Both laboratories cited the variant as uncertain significance. Based on the evidence outlined above, the variant was classified as likely pathogenic.

Literature cited by the submitters: PubMed 27737317 (cited by 5 submitters); PubMed 28699631 (cited by 5 submitters); PubMed 32731933 (cited by 3 submitters); PubMed 17643520 (cited by Color Diagnostics, LLC DBA Color Health and Victorian Clinical Genetics Services, Murdoch Childrens Research Institute); PubMed 20513729 (cited by Color Diagnostics, LLC DBA Color Health); PubMed 27532257 (cited by 3 submitters); PubMed 30297972 (cited by Color Diagnostics, LLC DBA Color Health); PubMed 31638223 (cited by 3 submitters); PubMed 37466024 (cited by Color Diagnostics, LLC DBA Color Health); PubMed 24714796 (cited by Victorian Clinical Genetics Services, Murdoch Childrens Research Institute); PubMed 29300372 (cited by Victorian Clinical Genetics Services, Murdoch Childrens Research Institute).